The following is an entry in ClinVar:

NM_002890.3(RASA1):c.2529dup (p.Asn844Ter)

Genes: CCNH (cyclin H; minus strand), RASA1 (RAS p21 protein activator 1; plus strand). Cytogenetic location: 5q14.3.
Variant type: Duplication.
Coding change: c.2529dup on transcript NM_002890.3 (MANE Select); coding-DNA position 2529, one base duplicated (T; older notation c.2529dupT).
Protein change: p.Asn844Ter; replaces asparagine 844 with a stop codon.
Molecular consequence: nonsense. On other transcripts: intron variant (1).
Genome position (GRCh38, 1-based): chr5:87,379,776, T duplicated. VCF-style (leftmost placement, unchanged base first): chr5-87379775-C-CT. GRCh37 (hg19) VCF-style: chr5-86675592-C-CT.
Other names: c.1998dup, p.Asn667Ter (NM_022650.3); c.933+15268dup (NM_001364075.2); short protein forms N844*, N667*.
Identifiers: ClinVar variation 239412 (VCV000239412.9), dbSNP rs878854569, ClinGen allele CA10582436.

ClinVar aggregate classification (germline): Pathogenic. Review status: criteria provided, single submitter (1 of 4 stars). 2 submissions from 1 submitter: Pathogenic (2). Last evaluated 2016-02-06.

Conditions:
Capillary malformation-arteriovenous malformation syndrome. Also called: Capillary malformation-arteriovenous malformation. Identifiers: Orphanet 137667, MedGen C1842180, MONDO:0012016.
Capillary malformation-arteriovenous malformation 1 (CMAVM1). Identifiers: Orphanet 137667, Orphanet 693907, MedGen C4747394, MONDO:0020783, OMIM 608354.

Submissions (2):

Labcorp Genetics (formerly Invitae), Labcorp
Classification: Pathogenic for Capillary malformation-arteriovenous malformation syndrome. Last evaluated: 2016-02-06. Review status: criteria provided, single submitter. Criteria: Invitae Variant Classification Sherloc (09022015). Collection method: clinical testing. Allele origin: germline.
Comment: This sequence change inserts 1 nucleotide in exon 19 of the RASA1 mRNA (c.2529dupT), causing a frameshift at codon 844. This creates a premature translational stop signal (p.Asn844*) and is expected to result in an absent or disrupted protein product. While this variant has not been reported in the literature, truncating variants in RASA1 are known to be pathogenic (PMID: 24038909). For these reasons, this variant has been classified as Pathogenic.

Labcorp Genetics (formerly Invitae), Labcorp
Classification: Pathogenic for Capillary malformation-arteriovenous malformation syndrome. Last evaluated: 2016-02-06. Review status: criteria provided, single submitter. Criteria: Invitae Variant Classification Sherloc (09022015). Collection method: clinical testing. Allele origin: germline.
Comment: the same text as in the submission from Labcorp Genetics (formerly Invitae), Labcorp above.

Literature cited by the submitters: PubMed 24038909.